The following is an entry in ClinVar:

NM_014948.4(UBOX5):c.1494G>T (p.Pro498=)

Genes: UBOX5 (U-box domain containing 5; minus strand), UBOX5-AS1 (UBOX5 antisense RNA 1; plus strand). Cytogenetic location: 20p13.
Variant type: single nucleotide variant.
Coding change: c.1494G>T on transcript NM_014948.4 (MANE Select); coding-DNA position 1494, G replaced by T.
Protein change: p.Pro498=; no amino-acid change (proline 498 retained).
Molecular consequence: synonymous variant. On other transcripts: missense variant (1).
Genome position (GRCh38, 1-based): chr20:3,110,238, C>A on the plus strand (G>T on the coding strand, the complement: UBOX5 is on the minus strand). VCF-style: chr20-3110238-C-A. GRCh37 (hg19) VCF-style: chr20-3090884-C-A.
Other names: c.1489G>T, p.Gly497Cys (NM_001267584.2); c.1332G>T, p.Pro444= (NM_199415.3); short protein forms G497C.
Identifiers: ClinVar variation 3024835 (VCV003024835.22), dbSNP rs34606078, ClinGen allele CA9739561.
Genomic context (GRCh38, chr20:3,110,238, plus strand): 5'-GCGTTGCTTCTCACCCAGGCAGGGTCGGCACAGGAGGTGGCCGCAGGGCAGCTGGTACAC[C>A]GGCTCCTTTTTGAAGTAGGGAGAAAATACTCTTTTGCAGGAGGCACATTCGGGGCCCAGG-3'
Protein context (NP_055763.1, residues 488-508): RVFSPYFKKE[Pro498=]VYQLPCGHLL

ClinVar aggregate classification (germline): Benign (1 of 4 stars; one submission).

Allele frequency attached by ClinVar (database versions not stated): 1000 Genomes Project 30x 0.00734; 1000 Genomes Project 0.00799; ExAC 0.01204; ESP Exome Variant Server 0.01246.
gnomAD v4.1: 21,687 of 1,614,068 alleles (1.3%); highest among the groups gnomAD compares: Non-Finnish European, 1.4%; 164 homozygotes.

Submission:

CeGaT Center for Human Genetics Tuebingen
Classification: Benign. Last evaluated: 2024-01-01. Review status: criteria provided, single submitter. Criteria: CeGaT Center For Human Genetics Tuebingen Variant Classification Criteria Version 2. Collection method: clinical testing. Allele origin: germline. Affected: yes. Observed: 1 variant allele.
Comment: UBOX5: BP4, BP7, BS1, BS2